The following is an entry in ClinVar:

ClinVar aggregate classification (germline): Likely benign (0 of 4 stars; one submission).

Conditions:
FCSK-related disorder. Also called: FCSK-related condition.

gnomAD v4.1: 2 of 1,613,880 alleles (0.00012%); highest among the groups gnomAD compares: Admixed American, 0.0017%; no homozygotes.

Submission:

PreventionGenetics, part of Exact Sciences
Classification: Likely benign for FCSK-related condition. Last evaluated: 2024-09-16. Review status: no assertion criteria provided. Collection method: clinical testing. Allele origin: germline.
Comment: This variant is classified as likely benign based on ACMG/AMP sequence variant interpretation guidelines (Richards et al. 2015 PMID: 25741868, with internal and published modifications).

NM_145059.3(FCSK):c.409C>A (p.Arg137=)

Gene: FCSK (fucose kinase; plus strand). Cytogenetic location: 16q22.1.
Variant type: single nucleotide variant.
Coding change: c.409C>A on transcript NM_145059.3 (MANE Select); coding-DNA position 409, C replaced by A.
Protein change: p.Arg137=; no amino-acid change (arginine 137 retained).
Molecular consequence: synonymous variant.
Genome position (GRCh38, 1-based): chr16:70,466,255, C>A. VCF-style: chr16-70466255-C-A. GRCh37 (hg19) VCF-style: chr16-70500158-C-A.
Identifiers: ClinVar variation 3351569 (VCV003351569.1).